The following is an entry in ClinVar:

ClinVar aggregate classification (germline): Uncertain significance (1 of 4 stars; one submission).

Allele frequency attached by ClinVar (database versions not stated): gnomAD exomes below 0.00001; gnomAD 0.00001.
gnomAD v4.1: 2 of 1,613,934 alleles (0.00012%); highest among the groups gnomAD compares: Non-Finnish European, 0.00017%; no homozygotes.

Submission:

Labcorp Genetics (formerly Invitae), Labcorp
Classification: Uncertain significance. Last evaluated: 2023-08-14. Review status: criteria provided, single submitter. Criteria: Invitae Variant Classification Sherloc (09022015). Collection method: clinical testing. Allele origin: germline.
Comment: This sequence change affects codon 272 of the TMC1 mRNA. It is a 'silent' change, meaning that it does not change the encoded amino acid sequence of the TMC1 protein. This variant is not present in population databases (gnomAD no frequency). This variant has not been reported in the literature in individuals affected with TMC1-related conditions. Algorithms developed to predict the effect of sequence changes on RNA splicing suggest that this variant may create or strengthen a splice site. In summary, the available evidence is currently insufficient to determine the role of this variant in disease. Therefore, it has been classified as a Variant of Uncertain Significance.

NM_138691.3(TMC1):c.814A>C (p.Arg272=)

Gene: TMC1 (transmembrane channel like 1; plus strand). Cytogenetic location: 9q21.13.
Variant type: single nucleotide variant.
Coding change: c.814A>C on transcript NM_138691.3 (MANE Select); coding-DNA position 814, A replaced by C.
Protein change: p.Arg272=; no amino-acid change (arginine 272 retained).
Molecular consequence: synonymous variant.
Genome position (GRCh38, 1-based): chr9:72,772,485, A>C. VCF-style: chr9-72772485-A-C. GRCh37 (hg19) VCF-style: chr9-75387401-A-C.
Identifiers: ClinVar variation 2888379 (VCV002888379.3), dbSNP rs111839361, ClinGen allele CA465186761.